The following is an entry in ClinVar:

ClinVar aggregate classification (germline): Uncertain significance (1 of 4 stars; one submission).

Submission:

GeneDx
Classification: Uncertain significance. Last evaluated: 2024-03-07. Review status: criteria provided, single submitter. Criteria: GeneDx Variant Classification Process June 2021. Collection method: clinical testing. Allele origin: germline. Affected: yes.
Comment: Not observed at significant frequency in large population cohorts (gnomAD); In silico analysis supports that this missense variant has a deleterious effect on protein structure/function; Has not been previously published as pathogenic or benign to our knowledge

NM_006766.5(KAT6A):c.5978C>G (p.Pro1993Arg)

Gene: KAT6A (lysine acetyltransferase 6A; minus strand). Cytogenetic location: 8p11.21.
Variant type: single nucleotide variant.
Coding change: c.5978C>G on transcript NM_006766.5 (MANE Select); coding-DNA position 5978, C replaced by G.
Protein change: p.Pro1993Arg; replaces proline 1993 with arginine.
Molecular consequence: missense variant.
Genome position (GRCh38, 1-based): chr8:41,932,242, G>C on the plus strand (C>G on the coding strand, the complement: KAT6A is on the minus strand). VCF-style: chr8-41932242-G-C. GRCh37 (hg19) VCF-style: chr8-41789760-G-C.
Other names: short protein forms P1993R.
Identifiers: ClinVar variation 3370571 (VCV003370571.1).